The following is an entry in ClinVar:

ClinVar aggregate classification (germline): Likely benign (1 of 4 stars; one submission).

Allele frequency attached by ClinVar (database versions not stated): gnomAD exomes 0.00001; ExAC 0.00001.

Submission:

GeneDx
Classification: Likely benign. Last evaluated: 2017-11-22. Review status: criteria provided, single submitter. Criteria: GeneDx Variant Classification (06012015). Collection method: clinical testing. Allele origin: germline. Affected: yes.
Comment: This variant is considered likely benign or benign based on one or more of the following criteria: it is a conservative change, it occurs at a poorly conserved position in the protein, it is predicted to be benign by multiple in silico algorithms, and/or has population frequency not consistent with disease.

NM_004085.4(TIMM8A):c.252C>T (p.Thr84=)

Gene: TIMM8A (translocase of inner mitochondrial membrane 8A; minus strand). Cytogenetic location: Xq22.1.
Variant type: single nucleotide variant.
Coding change: c.252C>T on transcript NM_004085.4 (MANE Select); coding-DNA position 252, C replaced by T.
Protein change: p.Thr84=; no amino-acid change (threonine 84 retained).
Molecular consequence: synonymous variant. On other transcripts: 3 prime UTR variant (1).
Genome position (GRCh38, 1-based): chrX:101,346,541, G>A on the plus strand (C>T on the coding strand, the complement: TIMM8A is on the minus strand). VCF-style: chrX-101346541-G-A. GRCh37 (hg19) VCF-style: chrX-100601529-G-A.
Other names: c.*1846C>T (NM_001145951.2).
Identifiers: ClinVar variation 513750 (VCV000513750.1), dbSNP rs782049199, ClinGen allele CA10472888.